The following is an entry in ClinVar:

NM_177438.3(DICER1):c.2684A>T (p.Lys895Ile)

Gene: DICER1 (dicer 1, ribonuclease III; minus strand). Cytogenetic location: 14q32.13.
Variant type: single nucleotide variant.
Coding change: c.2684A>T on transcript NM_177438.3 (MANE Select); coding-DNA position 2684, A replaced by T.
Protein change: p.Lys895Ile; replaces lysine 895 with isoleucine.
Molecular consequence: missense variant. On other transcripts: non-coding transcript variant (6).
Genome position (GRCh38, 1-based): chr14:95,107,728, T>A on the plus strand (A>T on the coding strand, the complement: DICER1 is on the minus strand). VCF-style: chr14-95107728-T-A. GRCh37 (hg19) VCF-style: chr14-95574065-T-A.
Other names: c.2684A>T, p.Lys895Ile (NM_001195573.1, NM_001271282.3, NM_001291628.2 and 12 more transcripts); c.2402A>T, p.Lys801Ile (NM_001395686.1); c.2279A>T, p.Lys760Ile (NM_001395687.1, NM_001395688.1, NM_001395689.1 and 2 more transcripts); c.2117A>T, p.Lys706Ile (NM_001395691.1); c.1001A>T, p.Lys334Ile (NM_001395697.1); short protein forms K801I, K895I, K334I, K706I, K760I.
Identifiers: ClinVar variation 3720186 (VCV003720186.2).

ClinVar aggregate classification (germline): Uncertain significance (1 of 4 stars; one submission).

Conditions:
DICER1-related tumor predisposition. Also called: DICER1 syndrome; DICER1-related pleuropulmonary blastoma cancer predisposition syndrome. Identifiers: Orphanet 284343, MedGen C3839822, MONDO:0100216.

Submission:

Labcorp Genetics (formerly Invitae), Labcorp
Classification: Uncertain significance for DICER1-related tumor predisposition. Last evaluated: 2024-11-16. Review status: criteria provided, single submitter. Criteria: Invitae Variant Classification Sherloc (09022015). Collection method: clinical testing. Allele origin: germline.
Comment: This sequence change replaces lysine, which is basic and polar, with isoleucine, which is neutral and non-polar, at codon 895 of the DICER1 protein (p.Lys895Ile). This variant is not present in population databases (gnomAD no frequency). This variant has not been reported in the literature in individuals affected with DICER1-related conditions. Invitae Evidence Modeling of protein sequence and biophysical properties (such as structural, functional, and spatial information, amino acid conservation, physicochemical variation, residue mobility, and thermodynamic stability) indicates that this missense variant is not expected to disrupt DICER1 protein function with a negative predictive value of 95%. In summary, the available evidence is currently insufficient to determine the role of this variant in disease. Therefore, it has been classified as a Variant of Uncertain Significance.